The following is an entry in ClinVar:

NM_025099.6(CTC1):c.3087C>T (p.Cys1029=)

Gene: CTC1 (CST telomere replication complex component 1; minus strand). Cytogenetic location: 17p13.1.
Variant type: single nucleotide variant.
Coding change: c.3087C>T on transcript NM_025099.6 (MANE Select); coding-DNA position 3087, C replaced by T.
Protein change: p.Cys1029=; no amino-acid change (cysteine 1029 retained).
Molecular consequence: synonymous variant. On other transcripts: non-coding transcript variant (1).
Genome position (GRCh38, 1-based): chr17:8,229,371, G>A on the plus strand (C>T on the coding strand, the complement: CTC1 is on the minus strand). VCF-style: chr17-8229371-G-A. GRCh37 (hg19) VCF-style: chr17-8132689-G-A.
Identifiers: ClinVar variation 697681 (VCV000697681.14), dbSNP rs775991134, ClinGen allele CA8371885.

ClinVar aggregate classification (germline): Benign/Likely benign. Review status: criteria provided, multiple submitters, no conflicts (2 of 4 stars). 4 submissions from 4 submitters: Benign (1); Likely benign (2). 1 of the submissions does not count toward it. Last evaluated 2025-12-06.

Conditions:
CTC1-related disorder. Also called: CTC1-related condition.
Dyskeratosis congenita. Identifiers: Orphanet 1775, MedGen C0265965, MONDO:0015780.

Allele frequency attached by ClinVar (database versions not stated): gnomAD 0.00007; gnomAD exomes 0.00011 and 0.00038; TOPMed 0.00016; ExAC 0.00055.
gnomAD v4.1: 173 of 1,614,094 alleles (0.011%); highest among the groups gnomAD compares: Admixed American, 0.17%; 3 homozygotes.

Submissions (4):

Labcorp Genetics (formerly Invitae), Labcorp
Classification: Benign for Dyskeratosis congenita. Last evaluated: 2025-12-06. Review status: criteria provided, single submitter. Criteria: Invitae Variant Classification Sherloc (09022015). Collection method: clinical testing. Allele origin: germline.

Blueprint Genetics
Classification: Likely benign. Last evaluated: 2024-03-02. Review status: criteria provided, single submitter. Criteria: ACMG Guidelines, 2015. Collection method: clinical testing. Allele origin: germline.

Sema4
Classification: Likely benign for Dyskeratosis congenita. Last evaluated: 2021-11-15. Review status: criteria provided, single submitter. Criteria: Sema4 Curation Guidelines. Collection method: curation. Allele origin: germline.

PreventionGenetics, part of Exact Sciences
Classification: Likely benign for CTC1-related condition. Last evaluated: 2019-05-06. Review status: no assertion criteria provided. Collection method: clinical testing. Allele origin: germline. Not counted in ClinVar's aggregate classification.
Comment: This variant is classified as likely benign based on ACMG/AMP sequence variant interpretation guidelines (Richards et al. 2015 PMID: 25741868, with internal and published modifications).